The following is an entry in ClinVar:

NM_000234.3(LIG1):c.636GGA[2] (p.Glu216del)

Gene: LIG1 (DNA ligase 1; minus strand). Cytogenetic location: 19q13.33.
Variant type: Microsatellite.
Coding change: c.636GGA[2] on transcript NM_000234.3 (MANE Select); two copies in a row of the 3-base unit GGA starting at c.636; the reference has three copies in a row; one copy, 3 bases deleted.
Protein change: p.Glu216del; deletes glutamic acid 216.
Molecular consequence: inframe deletion. On other transcripts: non-coding transcript variant (6).
Genome position (GRCh38, 1-based): chr19:48,150,141-48,150,143, TCC deleted on the plus strand (GGA on the coding strand, the reverse complement: LIG1 is on the minus strand); deleting any 3 consecutive bases within chr19:48,150,141-48,150,150 gives the same sequence; the position shown is the placement nearest the transcript's 3' end. VCF-style (leftmost placement, unchanged base first): chr19-48150140-TTCC-T. GRCh37 (hg19) VCF-style: chr19-48653397-TTCC-T.
Other names: c.543GGA[2], p.Glu185del (NM_001289063.2); c.432GGA[2], p.Glu148del (NM_001289064.2); c.633GGA[2], p.Glu215del (NM_001320970.2); c.546GGA[2], p.Glu186del (NM_001320971.2); short protein forms E148del, E186del, E216del, E185del, E215del.
Identifiers: ClinVar variation 1446644 (VCV001446644.8), dbSNP rs2035375748, ClinGen allele CA2339759276.

ClinVar aggregate classification (germline): Uncertain significance (1 of 4 stars; one submission).

Submission:

Labcorp Genetics (formerly Invitae), Labcorp
Classification: Uncertain significance. Last evaluated: 2022-09-02. Review status: criteria provided, single submitter. Criteria: Invitae Variant Classification Sherloc (09022015). Collection method: clinical testing. Allele origin: germline.
Comment: In summary, the available evidence is currently insufficient to determine the role of this variant in disease. Therefore, it has been classified as a Variant of Uncertain Significance. Experimental studies and prediction algorithms are not available or were not evaluated, and the functional significance of this variant is currently unknown. This variant has not been reported in the literature in individuals affected with LIG1-related conditions. This variant is not present in population databases (gnomAD no frequency). This variant, c.642_644del, results in the deletion of 1 amino acid(s) of the LIG1 protein (p.Glu216del), but otherwise preserves the integrity of the reading frame.